The following is an entry in ClinVar:

ClinVar aggregate classification (germline): Uncertain significance (1 of 4 stars; one submission).

Conditions:
Loeys-Dietz syndrome (LDS). Identifiers: Orphanet 60030, MedGen C2697932, MONDO:0018954.

Submission:

All of Us Research Program, National Institutes of Health
Classification: Uncertain significance for Loeys-Dietz syndrome. Last evaluated: 2024-03-05. Review status: criteria provided, single submitter. Criteria: ACMG Guidelines, 2015. Collection method: clinical testing. Allele origin: germline. Inheritance: Autosomal dominant inheritance. Observed: 1 variant allele, 1 heterozygote.
Comment: This study involves interpretation of variants in research participants for the purpose of population health screening. Participant phenotype was not available at the time of variant classification. Additional details can be found in publication PMID: 35346344, PMCID: PMC8962531

NM_004612.4(TGFBR1):c.1041C>A (p.Cys347Ter)

Gene: TGFBR1 (transforming growth factor beta receptor 1; plus strand). Cytogenetic location: 9q22.33.
Variant type: single nucleotide variant.
Coding change: c.1041C>A on transcript NM_004612.4 (MANE Select); coding-DNA position 1041, C replaced by A.
Protein change: p.Cys347Ter; replaces cysteine 347 with a stop codon.
Molecular consequence: nonsense. On other transcripts: non-coding transcript variant (4).
Genome position (GRCh38, 1-based): chr9:99,144,799, C>A. VCF-style: chr9-99144799-C-A. GRCh37 (hg19) VCF-style: chr9-101907081-C-A.
Other names: c.810C>A, p.Cys270Ter (NM_001130916.3, NM_001407435.1); c.1053C>A, p.Cys351Ter (NM_001306210.2); c.885C>A, p.Cys295Ter (NM_001407416.1); c.873C>A, p.Cys291Ter (NM_001407417.1); c.846C>A, p.Cys282Ter (NM_001407418.1, NM_001407419.1, NM_001407420.1 and 1 more transcripts); c.834C>A, p.Cys278Ter (NM_001407423.1, NM_001407424.1, NM_001407425.1 and 8 more transcripts); c.795C>A, p.Cys265Ter (NM_001407436.1); c.333C>A, p.Cys111Ter (NM_001407437.1); and 1 more; short protein forms C111*, C188*, C265*, C270*, C278*, C282*, C291*, C295*.
Identifiers: ClinVar variation 3386048 (VCV003386048.1).